The following is an entry in ClinVar:

ClinVar aggregate classification (germline): Benign/Likely benign. Review status: criteria provided, multiple submitters, no conflicts (2 of 4 stars). 5 submissions from 5 submitters: Benign (1); Likely benign (3). 1 of the submissions does not count toward it. Last evaluated 2019-11-04.

Conditions:
Retinal dystrophy. Also called: Inherited retinal dystrophy. Identifiers: Orphanet 71862, MedGen C0854723, MeSH D058499, MONDO:0019118, HP:0000556.
Severe early-childhood-onset retinal dystrophy (STGD1). Also called: Stargardt macular dystrophy; Juvenile onset macular degeneration; Stargardt disease 1; STGD; MACULAR DYSTROPHY WITH FLECKS, TYPE 1. Identifiers: Orphanet 364055, Orphanet 827, MedGen C1855465, MeSH D000080362, MONDO:0009549, OMIM 248200.

Allele frequency attached by ClinVar (database versions not stated): TOPMed 0.00295; 1000 Genomes Project 0.01058; gnomAD 0.00191 and 0.00261; gnomAD exomes 0.00267; 1000 Genomes Project 30x 0.01015.
gnomAD v4.1: 982 of 371,224 alleles (0.26%); highest among the groups gnomAD compares: East Asian, 5.1%; 21 homozygotes.

Submissions (5):

ARUP Laboratories, Molecular Genetics and Genomics, ARUP Laboratories
Classification: Benign. Last evaluated: 2019-11-04. Review status: criteria provided, single submitter. Criteria: ARUP Molecular Germline Variant Investigation Process. Collection method: clinical testing. Allele origin: germline.

Mendelics
Classification: Likely benign for Severe early-childhood-onset retinal dystrophy. Last evaluated: 2019-05-28. Review status: criteria provided, single submitter. Criteria: Mendelics Assertion Criteria 2017. Collection method: clinical testing. Allele origin: unknown.

GeneDx
Classification: Likely benign. Last evaluated: 2017-08-21. Review status: criteria provided, single submitter. Criteria: GeneDx Variant Classification (06012015). Collection method: clinical testing. Allele origin: germline. Affected: yes.
Comment: This variant is considered likely benign or benign based on one or more of the following criteria: it is a conservative change, it occurs at a poorly conserved position in the protein, it is predicted to be benign by multiple in silico algorithms, and/or has population frequency not consistent with disease.

Breakthrough Genomics
Classification: Likely benign. Review status: criteria provided, single submitter. Criteria: ACMG Guidelines, 2015. Collection method: not provided. Allele origin: germline. Inheritance: Autosomal recessive inheritance. Affected: yes.

Institute of Human Genetics, Univ. Regensburg, Univ. Regensburg
Classification: Likely pathogenic for Retinal dystrophy. Last evaluated: 2019-01-01. Review status: flagged submission. Criteria: ACMG Guidelines, 2015. Collection method: clinical testing. Allele origin: germline. Affected: yes. Not counted in ClinVar's aggregate classification.
ClinVar note: Reason: Outlier claim with insufficient supporting evidence

Literature cited by the submitters: PubMed 25346251 (cited by Institute of Human Genetics, Univ. Regensburg, Univ. Regensburg); PubMed 31980526 (cited by Institute of Human Genetics, Univ. Regensburg, Univ. Regensburg); PubMed 33090715 (cited by Institute of Human Genetics, Univ. Regensburg, Univ. Regensburg).

NM_000350.3(ABCA4):c.5196+1159G>A

Gene: ABCA4 (ATP binding cassette subfamily A member 4; minus strand). Cytogenetic location: 1p22.1.
Variant type: single nucleotide variant.
Coding change: c.5196+1159G>A on transcript NM_000350.3 (MANE Select); 1159 bases into the intron after coding-DNA position 5196, G replaced by A.
Molecular consequence: intron variant.
Genome position (GRCh38, 1-based): chr1:94,018,423, C>T on the plus strand (G>A on the coding strand, the complement: ABCA4 is on the minus strand). VCF-style: chr1-94018423-C-T. GRCh37 (hg19) VCF-style: chr1-94483979-C-T.
Identifiers: ClinVar variation 516808 (VCV000516808.12), dbSNP rs80110715, ClinGen allele CA26843502.